The following is an entry in ClinVar:

NM_001005242.3(PKP2):c.1137C>G (p.His379Gln)

Gene: PKP2 (plakophilin 2; minus strand). Cytogenetic location: 12p11.21.
Variant type: single nucleotide variant.
Coding change: c.1137C>G on transcript NM_001005242.3 (MANE Select); coding-DNA position 1137, C replaced by G.
Protein change: p.His379Gln; replaces histidine 379 with glutamine.
Molecular consequence: missense variant.
Genome position (GRCh38, 1-based): chr12:32,868,960, G>C on the plus strand (C>G on the coding strand, the complement: PKP2 is on the minus strand). VCF-style: chr12-32868960-G-C. GRCh37 (hg19) VCF-style: chr12-33021894-G-C.
Other names: c.1137C>G, p.His379Gln (NM_001407155.1, NM_001407156.1, NM_001407157.1 and 2 more transcripts); c.810C>G, p.His270Gln (NM_001407158.1, NM_001407159.1, NM_001407160.1 and 1 more transcripts); short protein forms H270Q, H379Q.
Identifiers: ClinVar variation 4614724 (VCV004614724.1).

ClinVar aggregate classification (germline): Uncertain significance (1 of 4 stars; one submission).

Conditions:
Cardiovascular phenotype. Identifiers: MedGen CN230736.

Submission:

Ambry Genetics
Classification: Uncertain significance for Cardiovascular phenotype. Last evaluated: 2025-09-25. Review status: criteria provided, single submitter. Criteria: Ambry Variant Classification Scheme 2023. Collection method: clinical testing. Allele origin: germline.
Comment: The p.H379Q variant (also known as c.1137C>G), located in coding exon 4 of the PKP2 gene, results from a C to G substitution at nucleotide position 1137. The histidine at codon 379 is replaced by glutamine, an amino acid with highly similar properties. This amino acid position is conserved. In addition, this alteration is predicted to be tolerated by in silico analysis. Based on the available evidence, the clinical significance of this variant remains unclear.